The following is an entry in ClinVar:

NM_001127511.3(APC):c.49G>A (p.Val17Ile)

Gene: APC (APC regulator of Wnt signaling pathway; plus strand). Cytogenetic location: 5q22.2.
Variant type: single nucleotide variant.
Coding change: c.49G>A on transcript NM_001127511.3; coding-DNA position 49, G replaced by A.
Protein change: p.Val17Ile; replaces valine 17 with isoleucine.
Molecular consequence: missense variant. On other transcripts: 5 prime UTR variant (8), non-coding transcript variant (1), intron variant (5).
Genome position (GRCh38, 1-based): chr5:112,707,766, G>A. VCF-style: chr5-112707766-G-A. GRCh37 (hg19) VCF-style: chr5-112043463-G-A.
Other names: c.-135G>A (NM_001354895.2, NM_001407447.1, NM_001407452.1 and 3 more transcripts); c.49G>A, p.Val17Ile (NM_001354897.2, NM_001354902.2, NM_001407446.1); c.-1170G>A (NM_001407470.1, NM_001407472.1); c.-19+117G>A (NM_001407448.1, NM_001407450.1, NM_001407457.1 and 1 more transcripts); c.-43+117G>A (NM_001407453.1); short protein forms V17I.
Identifiers: ClinVar variation 1000532 (VCV001000532.9), dbSNP rs1750606571, ClinGen allele CA360611763.
Genomic context (GRCh38, chr5:112,707,766, plus strand): 5'-TCGGCGCCCCCTATGTACGCCTCCCTGGGCTCGGGTCCGGTCGCCCCTTTGCCCGCTTCT[G>A]TACCACCCTCAGTTCTCGGGTCCTGGAGCACCGGCGGCAGCAGGAGCTGCGTCCGGCAGG-3'

ClinVar aggregate classification (germline): Uncertain significance (1 of 4 stars; one submission).

Conditions:
Familial adenomatous polyposis 1 (FAP1). Also called: FAMILIAL ADENOMATOUS POLYPOSIS 1, ATTENUATED; POLYPOSIS, ADENOMATOUS INTESTINAL. Identifiers: MedGen C2713442, MONDO:0021056, OMIM 175100. Disease mechanism: loss of function.

gnomAD v4.1: 1 of 1,370,646 alleles (0.000073%); highest among the groups gnomAD compares: Non-Finnish European, 0.000096%; no homozygotes.

Submission:

Labcorp Genetics (formerly Invitae), Labcorp
Classification: Uncertain significance for Familial adenomatous polyposis 1. Last evaluated: 2024-05-13. Review status: criteria provided, single submitter. Criteria: Invitae Variant Classification Sherloc (09022015). Collection method: clinical testing. Allele origin: germline.
Comment: This variant occurs in a non-coding region of the APC gene. It does not change the encoded amino acid sequence of the APC protein. This variant is not present in population databases (gnomAD no frequency). This variant has not been reported in the literature in individuals affected with APC-related conditions. Experimental studies and prediction algorithms are not available or were not evaluated, and the functional significance of this variant is currently unknown. In summary, the available evidence is currently insufficient to determine the role of this variant in disease. Therefore, it has been classified as a Variant of Uncertain Significance.